The following is an entry in ClinVar:

NM_004655.4(AXIN2):c.1188G>T (p.Gln396His)

Gene: AXIN2 (axin 2; minus strand). Cytogenetic location: 17q24.1.
Variant type: single nucleotide variant.
Coding change: c.1188G>T on transcript NM_004655.4 (MANE Select); coding-DNA position 1188, G replaced by T.
Protein change: p.Gln396His; replaces glutamine 396 with histidine.
Molecular consequence: missense variant.
Genome position (GRCh38, 1-based): chr17:65,538,215, C>A on the plus strand (G>T on the coding strand, the complement: AXIN2 is on the minus strand). VCF-style: chr17-65538215-C-A. GRCh37 (hg19) VCF-style: chr17-63534333-C-A.
Other names: c.1188G>T, p.Gln396His (NM_001363813.1); short protein forms Q396H.
Identifiers: ClinVar variation 4890806 (VCV004890806.1).

ClinVar aggregate classification (germline): Uncertain significance (1 of 4 stars; one submission).

Conditions:
Oligodontia-cancer predisposition syndrome. Also called: TOOTH AGENESIS-COLORECTAL CANCER SYNDROME. Identifiers: Orphanet 300576, MedGen C1837750, MONDO:0012075, OMIM 608615. Disease mechanism: loss of function.

Submission:

Helix
Classification: Uncertain significance for Oligodontia-cancer predisposition syndrome. Last evaluated: 2025-09-15. Review status: criteria provided, single submitter. Criteria: ACMG Guidelines, 2015. Collection method: clinical testing. Allele origin: germline. Inheritance: Autosomal dominant inheritance.
Comment: This variant (NM_004655.4:c.1188G>T p.Gln396His) results in the substitution of glutamine with histidine at codon 396 in the AXIN2 protein. It is a rare variant that is absent from the large gnomAD population database (v4.1). To our knowledge, this variant has not been reported in individuals with AXIN2-related conditions in the published literature. In silico prediction from REVEL (PMID: 27666373) is indeterminate. In conclusion, since the available evidence is limited, the clinical significance of this variant is unclear at this time. Therefore, it is classified as a Variant of Uncertain Significance.